The following is an entry in ClinVar:

ClinVar aggregate classification (germline): Likely benign. Review status: criteria provided, multiple submitters, no conflicts (2 of 4 stars). 2 submissions from 2 submitters: Likely benign (2). Last evaluated 2026-06-01.

Conditions:
Dilated cardiomyopathy 1G (CMD1G). Identifiers: Orphanet 154, MedGen C1858763, MONDO:0011400, OMIM 604145.
Autosomal recessive limb-girdle muscular dystrophy type 2J (LGMDR10). Also called: Limb-girdle muscular dystrophy, type 2J; MUSCULAR DYSTROPHY, LIMB-GIRDLE, AUTOSOMAL RECESSIVE 10. Identifiers: Orphanet 140922, MedGen C1837342, MONDO:0012127, OMIM 608807.

gnomAD v4.1: 1 of 1,613,402 alleles (0.000062%); highest among the groups gnomAD compares: Admixed American, 0.0017%; no homozygotes.

Submissions (2):

CeGaT Center for Human Genetics Tuebingen
Classification: Likely benign. Last evaluated: 2026-06-01. Review status: criteria provided, single submitter. Criteria: CeGaT Center For Human Genetics Tuebingen Variant Classification Criteria Version 2. Collection method: clinical testing. Allele origin: germline. Affected: yes. Observed: 1 variant allele.
Comment: TTN: BP4, BP7

Labcorp Genetics (formerly Invitae), Labcorp
Classification: Likely benign for Dilated cardiomyopathy 1G; Autosomal recessive limb-girdle muscular dystrophy type 2J. Last evaluated: 2023-05-23. Review status: criteria provided, single submitter. Criteria: Invitae Variant Classification Sherloc (09022015). Collection method: clinical testing. Allele origin: germline.

NM_001267550.2(TTN):c.79614T>G (p.Thr26538=)

Genes: TTN (titin; minus strand), TTN-AS1 (TTN antisense RNA 1; plus strand). Cytogenetic location: 2q31.2.
Variant type: single nucleotide variant.
Coding change: c.79614T>G on transcript NM_001267550.2 (MANE Select); coding-DNA position 79614, T replaced by G.
Protein change: p.Thr26538=; no amino-acid change (threonine 26538 retained).
Molecular consequence: synonymous variant.
Genome position (GRCh38, 1-based): chr2:178,566,518, A>C on the plus strand (T>G on the coding strand, the complement: TTN is on the minus strand). VCF-style: chr2-178566518-A-C. GRCh37 (hg19) VCF-style: chr2-179431245-A-C.
Other names: c.74691T>G, p.Thr24897= (NM_001256850.1); c.52419T>G, p.Thr17473= (NM_003319.4); c.71910T>G, p.Thr23970= (NM_133378.4); c.52794T>G, p.Thr17598= (NM_133432.3); c.52995T>G, p.Thr17665= (NM_133437.4).
Identifiers: ClinVar variation 1662889 (VCV001662889.10), dbSNP rs2154165640, ClinGen allele CA430252251.